The following is an entry in ClinVar:

ClinVar aggregate classification (germline): Benign. Review status: criteria provided, multiple submitters, no conflicts (2 of 4 stars). 2 submissions from 2 submitters: Benign (2). Last evaluated 2018-01-12.

Conditions:
Brain small vessel disease 2A, autosomal dominant. Also called: Porencephaly 2. Identifiers: Orphanet 2940, Orphanet 99810, MedGen C3280970, MONDO:0013773, OMIM 614483.

Allele frequency attached by ClinVar (database versions not stated): gnomAD exomes 0.33932; TOPMed 0.42294; gnomAD 0.42528 and 0.43469; 1000 Genomes Project 30x 0.49797; 1000 Genomes Project 0.50539.
gnomAD v4.1: 67,392 of 155,600 alleles (43%); highest among the groups gnomAD compares: East Asian, 75%; 15,055 homozygotes.

Submissions (2):

Illumina Laboratory Services, Illumina
Classification: Benign for Brain small vessel disease 2A, autosomal dominant. Last evaluated: 2018-01-12. Review status: criteria provided, single submitter. Criteria: ICSL Variant Classification Criteria 13 December 2019. Collection method: clinical testing. Allele origin: germline.
Comment: This variant was observed in the ICSL laboratory as part of a predisposition screen in an ostensibly healthy population. It had not been previously curated by ICSL or reported in the Human Gene Mutation Database (HGMD: prior to June 1st, 2018), and was therefore a candidate for classification through an automated scoring system. Utilizing variant allele frequency, disease prevalence and penetrance estimates, and inheritance mode, an automated score was calculated to assess if this variant is too frequent to cause the disease. Based on the score and internal cut-off values, a variant classified as benign is not then subjected to further curation. The score for this variant resulted in a classification of benign for this disease.

Breakthrough Genomics
Classification: Benign. Review status: criteria provided, single submitter. Criteria: ACMG Guidelines, 2015. Collection method: not provided. Allele origin: germline. Inheritance: Autosomal dominant inheritance. Affected: yes.

NM_001846.4(COL4A2):c.*541C>T

Gene: COL4A2 (collagen type IV alpha 2 chain; plus strand). Cytogenetic location: 13q34.
Variant type: single nucleotide variant.
Coding change: c.*541C>T on transcript NM_001846.4 (MANE Select); 541 bases downstream of the stop codon, C replaced by T.
Molecular consequence: 3 prime UTR variant.
Genome position (GRCh38, 1-based): chr13:110,512,732, C>T. VCF-style: chr13-110512732-C-T. GRCh37 (hg19) VCF-style: chr13-111165079-C-T.
Identifiers: ClinVar variation 311208 (VCV000311208.6), dbSNP rs1049906, ClinGen allele CA10642883.